The following is an entry in ClinVar:

NM_001364905.1(LRBA):c.1826G>A (p.Arg609Gln)

Gene: LRBA (LPS responsive beige-like anchor protein; minus strand). Cytogenetic location: 4q31.3.
Variant type: single nucleotide variant.
Coding change: c.1826G>A on transcript NM_001364905.1 (MANE Select); coding-DNA position 1826, G replaced by A.
Protein change: p.Arg609Gln; replaces arginine 609 with glutamine.
Molecular consequence: missense variant.
Genome position (GRCh38, 1-based): chr4:150,900,147, C>T on the plus strand (G>A on the coding strand, the complement: LRBA is on the minus strand). VCF-style: chr4-150900147-C-T. GRCh37 (hg19) VCF-style: chr4-151821299-C-T.
Other names: c.1826G>A, p.Arg609Gln (NM_001199282.3, NM_001367550.1, NM_006726.5); short protein forms R609Q.
Identifiers: ClinVar variation 1487889 (VCV001487889.9), dbSNP rs1007585785, ClinGen allele CA107816403.

ClinVar aggregate classification (germline): Uncertain significance. Review status: criteria provided, multiple submitters, no conflicts (2 of 4 stars). 2 submissions from 2 submitters: Uncertain significance (2). Last evaluated 2024-06-07.

Conditions:
Combined immunodeficiency due to LRBA deficiency. Also called: Common variable immunodeficiency 8, with autoimmunity. Identifiers: Orphanet 445018, MedGen C3553512, MONDO:0013863, OMIM 614700.

Allele frequency attached by ClinVar (database versions not stated): gnomAD exomes below 0.00001 and 0.00001; gnomAD 0.00001; TOPMed 0.00002.
gnomAD v4.1: 22 of 1,612,632 alleles (0.0014%); highest among the groups gnomAD compares: East Asian, 0.0045%; no homozygotes.

Submissions (2):

Blueprint Genetics
Classification: Uncertain significance. Last evaluated: 2024-06-07. Review status: criteria provided, single submitter. Criteria: ACMG Guidelines, 2015. Collection method: clinical testing. Allele origin: germline.

Labcorp Genetics (formerly Invitae), Labcorp
Classification: Uncertain significance for Combined immunodeficiency due to LRBA deficiency. Last evaluated: 2022-03-19. Review status: criteria provided, single submitter. Criteria: Invitae Variant Classification Sherloc (09022015). Collection method: clinical testing. Allele origin: germline.
Comment: In summary, the available evidence is currently insufficient to determine the role of this variant in disease. Therefore, it has been classified as a Variant of Uncertain Significance. Algorithms developed to predict the effect of sequence changes on RNA splicing suggest that this variant may create or strengthen a splice site. Algorithms developed to predict the effect of missense changes on protein structure and function are either unavailable or do not agree on the potential impact of this missense change (SIFT: "Tolerated"; PolyPhen-2: "Probably Damaging"; Align-GVGD: "Class C0"). This missense change has been observed in individual(s) with LRBA deficiency (PMID: 31887391). This variant is present in population databases (no rsID available, gnomAD 0.005%). This sequence change replaces arginine, which is basic and polar, with glutamine, which is neutral and polar, at codon 609 of the LRBA protein (p.Arg609Gln).

Literature cited by the submitters: PubMed 31887391 (cited by Labcorp Genetics (formerly Invitae), Labcorp).